The following is an entry in ClinVar:

NM_000443.4(ABCB4):c.2556C>T (p.Tyr852=)

Gene: ABCB4 (ATP binding cassette subfamily B member 4; minus strand). Cytogenetic location: 7q21.12.
Variant type: single nucleotide variant.
Coding change: c.2556C>T on transcript NM_000443.4 (MANE Select); coding-DNA position 2556, C replaced by T.
Protein change: p.Tyr852=; no amino-acid change (tyrosine 852 retained).
Molecular consequence: synonymous variant.
Genome position (GRCh38, 1-based): chr7:87,417,438, G>A on the plus strand (C>T on the coding strand, the complement: ABCB4 is on the minus strand). VCF-style: chr7-87417438-G-A. GRCh37 (hg19) VCF-style: chr7-87046754-G-A.
Other names: c.2556C>T, p.Tyr852= (NM_018849.3, NM_018850.3); c.2556C>T (NM_000443.3).
Identifiers: ClinVar variation 2969704 (VCV002969704.4), dbSNP rs533310204, ClinGen allele CA4326984.

ClinVar aggregate classification (germline): Likely benign. Review status: criteria provided, single submitter (1 of 4 stars). 2 submissions from 2 submitters: Likely benign (1). 1 of the submissions does not count toward it. Last evaluated 2023-12-14.

Conditions:
ABCB4-related disorder. Also called: ABCB4-related disorders; ABCB4-related condition.

Allele frequency attached by ClinVar (database versions not stated): ExAC 0.00004; TOPMed 0.00004; gnomAD 0.00005; 1000 Genomes Project 30x 0.00016; 1000 Genomes Project 0.00020.
gnomAD v4.1: 34 of 1,614,068 alleles (0.0021%); highest among the groups gnomAD compares: Middle Eastern, 0.016%; no homozygotes.

Submissions (2):

Labcorp Genetics (formerly Invitae), Labcorp
Classification: Likely benign. Last evaluated: 2023-12-14. Review status: criteria provided, single submitter. Criteria: Invitae Variant Classification Sherloc (09022015). Collection method: clinical testing. Allele origin: germline.

PreventionGenetics, part of Exact Sciences
Classification: Likely benign for ABCB4-related condition. Last evaluated: 2024-06-08. Review status: no assertion criteria provided. Collection method: clinical testing. Allele origin: germline. Not counted in ClinVar's aggregate classification.
Comment: This variant is classified as likely benign based on ACMG/AMP sequence variant interpretation guidelines (Richards et al. 2015 PMID: 25741868, with internal and published modifications).